The following is an entry in ClinVar:

ClinVar aggregate classification (germline): Likely benign. Review status: criteria provided, multiple submitters, no conflicts (2 of 4 stars). 2 submissions from 2 submitters: Likely benign (2). Last evaluated 2025-06-17.

Conditions:
Cohen syndrome (COH1). Also called: Cutis verticis gyrata, retinitis pigmentosa, and sensorineural deafness; PEPPER SYNDROME. Identifiers: Orphanet 193, MedGen C0265223, MONDO:0008999, OMIM 216550.
VPS13B-related disorder. Also called: VPS13B-related condition.

Allele frequency attached by ClinVar (database versions not stated): gnomAD exomes 0.00001 and 0.00002.
gnomAD v4.1: 7 of 1,614,074 alleles (0.00043%); highest among the groups gnomAD compares: Admixed American, 0.01%; no homozygotes.

Submissions (2):

PreventionGenetics, part of Exact Sciences
Classification: Likely benign for VPS13B-related condition. Last evaluated: 2025-06-17. Review status: criteria provided, single submitter. Criteria: ACMG Guidelines, 2015. Collection method: clinical testing. Allele origin: germline.
Comment: This variant is classified as likely benign based on ACMG/AMP sequence variant interpretation guidelines (Richards et al. 2015 PMID: 25741868, with internal and published modifications).

Labcorp Genetics (formerly Invitae), Labcorp
Classification: Likely benign for Cohen syndrome. Last evaluated: 2024-11-05. Review status: criteria provided, single submitter. Criteria: Invitae Variant Classification Sherloc (09022015). Collection method: clinical testing. Allele origin: germline.

NM_152564.5(VPS13B):c.2650+10G>A

Gene: VPS13B (vacuolar protein sorting 13 homolog B; plus strand). Cytogenetic location: 8q22.2.
Variant type: single nucleotide variant.
Coding change: c.2650+10G>A on transcript NM_152564.5 (MANE Select); 10 bases into the intron after coding-DNA position 2650, G replaced by A.
Molecular consequence: intron variant.
Genome position (GRCh38, 1-based): chr8:99,274,342, G>A. VCF-style: chr8-99274342-G-A. GRCh37 (hg19) VCF-style: chr8-100286570-G-A.
Other names: c.2650+10G>A (NM_152564.4, NM_017890.5).
Identifiers: ClinVar variation 1581146 (VCV001581146.9), dbSNP rs1478294396, ClinGen allele CA583839923.